The following is an entry in ClinVar:

ClinVar aggregate classification (germline): Uncertain significance. Review status: criteria provided, multiple submitters, no conflicts (2 of 4 stars). 3 submissions from 3 submitters: Uncertain significance (2). 1 of the submissions does not count toward it. Last evaluated 2025-05-21.

Conditions:
Familial cold autoinflammatory syndrome 2 (FCAS2). Identifiers: Orphanet 247868, MedGen C2673198, MONDO:0012724, OMIM 611762.

Allele frequency attached by ClinVar (database versions not stated): ExAC 0.00001; gnomAD exomes 0.00001 and 0.00003; TOPMed 0.00001.
gnomAD v4.1: 37 of 1,614,102 alleles (0.0023%); highest among the groups gnomAD compares: Non-Finnish European, 0.0031%; no homozygotes.

Submissions (3):

Labcorp Genetics (formerly Invitae), Labcorp
Classification: Uncertain significance for Familial cold autoinflammatory syndrome 2. Last evaluated: 2025-05-21. Review status: criteria provided, single submitter. Criteria: Invitae Variant Classification Sherloc (09022015). Collection method: clinical testing. Allele origin: germline.
Comment: This sequence change replaces arginine, which is basic and polar, with lysine, which is basic and polar, at codon 774 of the NLRP12 protein (p.Arg774Lys). This variant is present in population databases (rs780092868, gnomAD 0.002%). This variant has not been reported in the literature in individuals affected with NLRP12-related conditions. ClinVar contains an entry for this variant (Variation ID: 1050239). Invitae Evidence Modeling of protein sequence and biophysical properties (such as structural, functional, and spatial information, amino acid conservation, physicochemical variation, residue mobility, and thermodynamic stability) indicates that this missense variant is not expected to disrupt NLRP12 protein function with a negative predictive value of 80%. In summary, the available evidence is currently insufficient to determine the role of this variant in disease. Therefore, it has been classified as a Variant of Uncertain Significance.

Blueprint Genetics
Classification: Uncertain significance. Last evaluated: 2023-07-13. Review status: criteria provided, single submitter. Criteria: ACMG Guidelines, 2015. Collection method: clinical testing. Allele origin: germline.

Department of Pathology and Laboratory Medicine, Sinai Health System
Classification: Uncertain significance. Review status: no assertion criteria provided. Collection method: clinical testing. Allele origin: unknown. Affected: yes. Study: The Canadian Open Genetics Repository (COGR). Not counted in ClinVar's aggregate classification.
Comment: The NLRP12 p.Arg774Lys variant was not identified in the literature nor was it identified in ClinVar or LOVD 3.0. The variant was identified in dbSNP (ID: rs780092868) and in control databases in 2 of 251464 chromosomes at a frequency of 0.000007953 (Genome Aggregation Database March 6, 2019, v2.1.1). The variant was observed in the following populations: Other in 1 of 6138 chromosomes (freq: 0.000163) and European (non-Finnish) in 1 of 113740 chromosomes (freq: 0.000009), but was not observed in the African, Latino, Ashkenazi Jewish, East Asian, European (Finnish), or South Asian populations. The p.Arg774 residue is conserved in mammals and computational analyses (PolyPhen-2, SIFT, AlignGVGD, BLOSUM, MutationTaster) provide inconsistent predictions regarding the impact to the protein; this information is not very predictive of pathogenicity. The variant occurs outside of the splicing consensus sequence and in silico or computational prediction software programs (SpliceSiteFinder, MaxEntScan, NNSPLICE, GeneSplicer) do not predict a difference in splicing. In summary, based on the above information the clinical significance of this variant cannot be determined with certainty at this time. This variant is classified as a variant of uncertain significance.

NM_144687.4(NLRP12):c.2321G>A (p.Arg774Lys)

Gene: NLRP12 (NLR family pyrin domain containing 12; minus strand). Cytogenetic location: 19q13.42.
Variant type: single nucleotide variant.
Coding change: c.2321G>A on transcript NM_144687.4 (MANE Select); coding-DNA position 2321, G replaced by A.
Protein change: p.Arg774Lys; replaces arginine 774 with lysine.
Molecular consequence: missense variant.
Genome position (GRCh38, 1-based): chr19:53,805,373, C>T on the plus strand (G>A on the coding strand, the complement: NLRP12 is on the minus strand). VCF-style: chr19-53805373-C-T. GRCh37 (hg19) VCF-style: chr19-54308627-C-T.
Other names: c.2324G>A, p.Arg775Lys (NM_001277126.2); c.2321G>A, p.Arg774Lys (NM_001277129.1); short protein forms R774K, R775K.
Identifiers: ClinVar variation 1050239 (VCV001050239.3), dbSNP rs780092868, ClinGen allele CA9639118.